The following is an entry in ClinVar:

NM_025099.6(CTC1):c.647G>A (p.Arg216Lys)

Gene: CTC1 (CST telomere replication complex component 1; minus strand). Cytogenetic location: 17p13.1.
Variant type: single nucleotide variant.
Coding change: c.647G>A on transcript NM_025099.6 (MANE Select); coding-DNA position 647, G replaced by A.
Protein change: p.Arg216Lys; replaces arginine 216 with lysine.
Molecular consequence: missense variant. On other transcripts: non-coding transcript variant (1).
Genome position (GRCh38, 1-based): chr17:8,238,031, C>T on the plus strand (G>A on the coding strand, the complement: CTC1 is on the minus strand). VCF-style: chr17-8238031-C-T. GRCh37 (hg19) VCF-style: chr17-8141349-C-T.
Other names: c.647G>A, p.Arg216Lys (NM_001411067.1); short protein forms R216K.
Identifiers: ClinVar variation 1967891 (VCV001967891.5), dbSNP rs1209456215, ClinGen allele CA397992189.

ClinVar aggregate classification (germline): Uncertain significance (1 of 4 stars; one submission).

Conditions:
Dyskeratosis congenita. Identifiers: Orphanet 1775, MedGen C0265965, MONDO:0015780.

Allele frequency attached by ClinVar (database versions not stated): gnomAD exomes below 0.00001; gnomAD 0.00001.

Submission:

Labcorp Genetics (formerly Invitae), Labcorp
Classification: Uncertain significance for Dyskeratosis congenita. Last evaluated: 2024-04-29. Review status: criteria provided, single submitter. Criteria: Invitae Variant Classification Sherloc (09022015). Collection method: clinical testing. Allele origin: germline.
Comment: This sequence change replaces arginine, which is basic and polar, with lysine, which is basic and polar, at codon 216 of the CTC1 protein (p.Arg216Lys). This variant also falls at the last nucleotide of exon 4, which is part of the consensus splice site for this exon. The frequency data for this variant in the population databases is considered unreliable, as metrics indicate poor data quality at this position in the gnomAD database. This variant has not been reported in the literature in individuals affected with CTC1-related conditions. ClinVar contains an entry for this variant (Variation ID: 1967891). An algorithm developed to predict the effect of missense changes on protein structure and function (PolyPhen-2) suggests that this variant is likely to be disruptive. Variants that disrupt the consensus splice site are a relatively common cause of aberrant splicing (PMID: 17576681, 9536098). Algorithms developed to predict the effect of sequence changes on RNA splicing suggest that this variant may disrupt the consensus splice site. In summary, the available evidence is currently insufficient to determine the role of this variant in disease. Therefore, it has been classified as a Variant of Uncertain Significance.

Literature cited by the submitters: PubMed 17576681; PubMed 9536098.